The following is an entry in ClinVar:

NM_004287.5(GOSR2):c.149G>A (p.Arg50His)

Genes: GOSR2 (golgi SNAP receptor complex member 2; plus strand), LRRC37A2 (leucine rich repeat containing 37 member A2), LOC126862578 (BRD4-independent group 4 enhancer GRCh37_chr17:45008344-45009543; plus strand). Cytogenetic location: 17q21.32.
Variant type: single nucleotide variant.
Coding change: c.149G>A on transcript NM_004287.5 (MANE Select); coding-DNA position 149, G replaced by A.
Protein change: p.Arg50His; replaces arginine 50 with histidine.
Molecular consequence: missense variant. On other transcripts: non-coding transcript variant (3).
Genome position (GRCh38, 1-based): chr17:46,931,153, G>A. VCF-style: chr17-46931153-G-A. GRCh37 (hg19) VCF-style: chr17-45008519-G-A.
Other names: c.149G>A, p.Arg50His (NM_001012511.3, NM_001321133.2, NM_001330252.2 and 1 more transcripts); c.95G>A, p.Arg32His (NM_001321134.2, NM_001363851.2); c.146G>A, p.Arg49His (NM_001353114.2, NM_001353115.2, NM_001353116.2); short protein forms R50H, R32H, R49H.
Identifiers: ClinVar variation 449170 (VCV000449170.11), dbSNP rs377765254, ClinGen allele CA8621173.

ClinVar aggregate classification (germline): Uncertain significance. Review status: criteria provided, multiple submitters, no conflicts (2 of 4 stars). 4 submissions from 4 submitters: Uncertain significance (4). Last evaluated 2024-05-13.

Conditions:
Progressive myoclonic epilepsy. Also called: Myoclonic Epilepsies, Progressive; Familial progressive myoclonic epilepsy; Myoclonus epilepsy; Progressive myoclonus epilepsy. Identifiers: Orphanet 308, Orphanet 98261, MedGen C0751778, MONDO:0020074.
Inborn genetic diseases. Identifiers: MedGen C0950123, MeSH D030342.

Allele frequency attached by ClinVar (database versions not stated): gnomAD 0.00006 and 0.00007; gnomAD exomes 0.00010; ExAC 0.00014; 1000 Genomes Project 30x 0.00016; TOPMed 0.00005; 1000 Genomes Project 0.00020; ESP Exome Variant Server 0.00023.
gnomAD v4.1: 27 of 1,611,834 alleles (0.0017%); highest among the groups gnomAD compares: East Asian, 0.04%; no homozygotes.

Submissions (4):

Ambry Genetics
Classification: Uncertain significance for Inborn genetic diseases. Last evaluated: 2024-05-13. Review status: criteria provided, single submitter. Criteria: Ambry Variant Classification Scheme 2023. Collection method: clinical testing. Allele origin: germline.

Labcorp Genetics (formerly Invitae), Labcorp
Classification: Uncertain significance for Progressive myoclonic epilepsy. Last evaluated: 2022-07-19. Review status: criteria provided, single submitter. Criteria: Invitae Variant Classification Sherloc (09022015). Collection method: clinical testing. Allele origin: germline.
Comment: This sequence change replaces arginine, which is basic and polar, with histidine, which is basic and polar, at codon 50 of the GOSR2 protein (p.Arg50His). This variant is present in population databases (rs377765254, gnomAD 0.1%). This variant has not been reported in the literature in individuals affected with GOSR2-related conditions. ClinVar contains an entry for this variant (Variation ID: 449170). Algorithms developed to predict the effect of missense changes on protein structure and function are either unavailable or do not agree on the potential impact of this missense change (SIFT: "Deleterious"; PolyPhen-2: "Benign"; Align-GVGD: "Class C0"). In summary, the available evidence is currently insufficient to determine the role of this variant in disease. Therefore, it has been classified as a Variant of Uncertain Significance.

GeneDx
Classification: Uncertain significance. Last evaluated: 2016-11-25. Review status: criteria provided, single submitter. Criteria: GeneDx Variant Classification (06012015). Collection method: clinical testing. Allele origin: germline. Affected: yes.
Comment: A variant of uncertain significance has been identified in the GOSR2 gene. The R50H variant has not been published as a pathogenic variant, nor has it been reported as a benign variant to our knowledge. It was not observed with any significant frequency in approximately 6,500 individuals of European and African American ancestry in an external variant database, nor with any significant frequency in the 1000 Genomes Project. The R50H variant is a conservative amino acid substitution, which is not likely to impact secondary protein structure as these residues share similar properties. However, this substitution occurs at a position that is conserved across species and in silico analysis predicts this variant is probably damaging to the protein structure/function. Therefore, based on the currently available information, it is unclear whether this variant is a pathogenic variant or a rare benign variant.

Breakthrough Genomics
Classification: Uncertain significance. Review status: criteria provided, single submitter. Criteria: ACMG Guidelines, 2015. Collection method: not provided. Allele origin: germline. Inheritance: Autosomal recessive inheritance. Affected: yes.